The following is an entry in ClinVar:

NM_002691.4(POLD1):c.2609A>G (p.Asp870Gly)

Gene: POLD1 (DNA polymerase delta 1, catalytic subunit; plus strand). Cytogenetic location: 19q13.33.
Variant type: single nucleotide variant.
Coding change: c.2609A>G on transcript NM_002691.4 (MANE Select); coding-DNA position 2609, A replaced by G.
Protein change: p.Asp870Gly; replaces aspartic acid 870 with glycine.
Molecular consequence: missense variant. On other transcripts: non-coding transcript variant (1).
Genome position (GRCh38, 1-based): chr19:50,415,482, A>G. VCF-style: chr19-50415482-A-G. GRCh37 (hg19) VCF-style: chr19-50918739-A-G.
Other names: c.2609A>G, p.Asp870Gly (NM_001256849.1); c.2687A>G, p.Asp896Gly (NM_001308632.1); short protein forms D870G, D896G.
Identifiers: ClinVar variation 2159024 (VCV002159024.4), dbSNP rs2514053587, ClinGen allele CA406985415.
Genomic context (GRCh38, chr19:50,415,482, plus strand): 5'-GCCCGCTCTCCTACAGAGACCCTGAGGGCGCGGTGGCTCACGCACAGGACGTCATCTCGG[A>G]CCTGCTGTGCAACCGCATCGATATCTCCCAGCTGGTCATCACCAAGGAGCTGACCCGCGC-3'
Protein context (NP_002682.2, residues 860-880): AVAHAQDVIS[Asp870Gly]LLCNRIDISQ

ClinVar aggregate classification (germline): Uncertain significance (1 of 4 stars; one submission).

Conditions:
POLD1-related polyposis and colorectal cancer syndrome (CRCS10). Also called: Colorectal cancer, susceptibility to, 10; Colorectal cancer 10; COLORECTAL CANCER, SUSCEPTIBILITY TO, ON CHROMOSOME 19q. Identifiers: Orphanet 220460, MedGen C2675481, MONDO:0012953, OMIM 612591.

Submission:

Labcorp Genetics (formerly Invitae), Labcorp
Classification: Uncertain significance for POLD1-related polyposis and colorectal cancer syndrome. Last evaluated: 2021-12-29. Review status: criteria provided, single submitter. Criteria: Invitae Variant Classification Sherloc (09022015). Collection method: clinical testing. Allele origin: germline.
Comment: This sequence change replaces aspartic acid, which is acidic and polar, with glycine, which is neutral and non-polar, at codon 870 of the POLD1 protein (p.Asp870Gly). This variant is not present in population databases (gnomAD no frequency). This variant has not been reported in the literature in individuals affected with POLD1-related conditions. Algorithms developed to predict the effect of missense changes on protein structure and function are either unavailable or do not agree on the potential impact of this missense change (SIFT: "Deleterious"; PolyPhen-2: "Probably Damaging"; Align-GVGD: "Class C0"). In summary, the available evidence is currently insufficient to determine the role of this variant in disease. Therefore, it has been classified as a Variant of Uncertain Significance.